The following is an entry in ClinVar:

NM_006939.4(SOS2):c.1899T>G (p.Cys633Trp)

Gene: SOS2 (SOS Ras/Rho guanine nucleotide exchange factor 2; minus strand). Cytogenetic location: 14q21.3.
Variant type: single nucleotide variant.
Coding change: c.1899T>G on transcript NM_006939.4 (MANE Select); coding-DNA position 1899, T replaced by G.
Protein change: p.Cys633Trp; replaces cysteine 633 with tryptophan.
Molecular consequence: missense variant.
Genome position (GRCh38, 1-based): chr14:50,158,600, A>C on the plus strand (T>G on the coding strand, the complement: SOS2 is on the minus strand). VCF-style: chr14-50158600-A-C. GRCh37 (hg19) VCF-style: chr14-50625318-A-C.
Other names: c.1800T>G, p.Cys600Trp (NM_001411020.1); short protein forms C600W, C633W.
Identifiers: ClinVar variation 5009740 (VCV005009740.1).
Genomic context (GRCh38, chr14:50,158,600, plus strand): 5'-TAACTGAAATACATATTTTTCTTACCGTTCAATCAGTAAGCTCAGCAATTCCTGTGGTTT[A>C]CAAAATGAACGATATGTGGTAAGAAAAGTACGAACAAAATTGGGATCTGAAAAGGCAGAG-3'
Protein context (NP_008870.2, residues 623-643): RTFLTTYRSF[Cys633Trp]KPQELLSLLI

ClinVar aggregate classification (germline): Uncertain significance (1 of 4 stars; one submission).

Submission:

GeneDx
Classification: Uncertain significance. Last evaluated: 2026-02-18. Review status: criteria provided, single submitter. Criteria: GeneDx Variant Classification Process June 2021. Collection method: clinical testing. Allele origin: germline.
Comment: Not observed at significant frequency in large population cohorts (gnomAD); In silico analysis supports that this missense variant has a deleterious effect on protein structure/function; Has not been previously published as pathogenic or benign to our knowledge.